The following is an entry in ClinVar:

NM_002661.5(PLCG2):c.337+45G>C

Gene: PLCG2 (phospholipase C gamma 2; plus strand). Cytogenetic location: 16q23.3.
Variant type: single nucleotide variant.
Coding change: c.337+45G>C on transcript NM_002661.5 (MANE Select); 45 bases into the intron after coding-DNA position 337, G replaced by C.
Molecular consequence: intron variant.
Genome position (GRCh38, 1-based): chr16:81,854,632, G>C. VCF-style: chr16-81854632-G-C. GRCh37 (hg19) VCF-style: chr16-81888237-G-C.
Identifiers: ClinVar variation 1281515 (VCV001281515.4), dbSNP rs4072828, ClinGen allele CA8193140.

ClinVar aggregate classification (germline): Benign. Review status: criteria provided, multiple submitters, no conflicts (2 of 4 stars). 3 submissions from 3 submitters: Benign (3). Last evaluated 2023-11-12.

Allele frequency attached by ClinVar (database versions not stated): 1000 Genomes Project 0.20927; 1000 Genomes Project 30x 0.21112; TOPMed 0.24914; ESP Exome Variant Server 0.25416.
gnomAD v4.1: 469,900 of 1,580,686 alleles (30%); highest among the groups gnomAD compares: Non-Finnish European, 32%; 72,707 homozygotes.

Submissions (3):

Unidad de Genómica Garrahan, Hospital de Pediatría Garrahan
Classification: Benign. Last evaluated: 2023-11-12. Review status: criteria provided, single submitter. Criteria: ACMG Guidelines, 2015. Collection method: clinical testing. Allele origin: germline. Affected: no. Observed: 46 variant alleles.
Comment: This variant is classified as Benign based on local population frequency. This variant was detected in 48% of patients studied by a panel of primary immunodeficiencies. Number of patients: 46. Only high quality variants are reported.

GeneDx
Classification: Benign. Last evaluated: 2021-05-14. Review status: criteria provided, single submitter. Criteria: GeneDx Variant Classification Process June 2021. Collection method: clinical testing. Allele origin: germline. Affected: yes.

Breakthrough Genomics
Classification: Benign. Review status: criteria provided, single submitter. Criteria: ACMG Guidelines, 2015. Collection method: not provided. Allele origin: germline. Inheritance: Autosomal dominant inheritance. Affected: yes.